The following is an entry in ClinVar:

ClinVar aggregate classification (germline): Uncertain significance (1 of 4 stars; one submission).

Allele frequency attached by ClinVar (database versions not stated): gnomAD 0.00001; gnomAD exomes 0.00001; TOPMed 0.00001.
gnomAD v4.1: 12 of 1,473,312 alleles (0.00081%); highest among the groups gnomAD compares: Non-Finnish European, 0.001%; no homozygotes.

Submission:

Labcorp Genetics (formerly Invitae), Labcorp
Classification: Uncertain significance. Last evaluated: 2022-02-11. Review status: criteria provided, single submitter. Criteria: Invitae Variant Classification Sherloc (09022015). Collection method: clinical testing. Allele origin: germline.
Comment: In summary, the available evidence is currently insufficient to determine the role of this variant in disease. Therefore, it has been classified as a Variant of Uncertain Significance. Algorithms developed to predict the effect of missense changes on protein structure and function are either unavailable or do not agree on the potential impact of this missense change (SIFT: "Tolerated"; PolyPhen-2: "Probably Damaging"; Align-GVGD: "Class C0"). This variant has not been reported in the literature in individuals affected with IARS2-related conditions. This variant is present in population databases (no rsID available, gnomAD 0.002%). This sequence change replaces leucine, which is neutral and non-polar, with valine, which is neutral and non-polar, at codon 96 of the IARS2 protein (p.Leu96Val).

NM_018060.4(IARS2):c.286C>G (p.Leu96Val)

Gene: IARS2 (isoleucyl-tRNA synthetase 2, mitochondrial; plus strand). Cytogenetic location: 1q41.
Variant type: single nucleotide variant.
Coding change: c.286C>G on transcript NM_018060.4 (MANE Select); coding-DNA position 286, C replaced by G.
Protein change: p.Leu96Val; replaces leucine 96 with valine.
Molecular consequence: missense variant.
Genome position (GRCh38, 1-based): chr1:220,096,122, C>G. VCF-style: chr1-220096122-C-G. GRCh37 (hg19) VCF-style: chr1-220269464-C-G.
Other names: short protein forms L96V.
Identifiers: ClinVar variation 1353205 (VCV001353205.8), dbSNP rs1269625252, ClinGen allele CA344620238.